The following is an entry in ClinVar:

NM_022114.4(PRDM16):c.1032+6C>A

Gene: PRDM16 (PR/SET domain 16; plus strand). Cytogenetic location: 1p36.32.
Variant type: single nucleotide variant.
Coding change: c.1032+6C>A on transcript NM_022114.4 (MANE Select); 6 bases into the intron after coding-DNA position 1032, C replaced by A.
Molecular consequence: intron variant.
Genome position (GRCh38, 1-based): chr1:3,404,892, C>A. VCF-style: chr1-3404892-C-A. GRCh37 (hg19) VCF-style: chr1-3321456-C-A.
Other names: c.1032+6C>A (NM_199454.3).
Identifiers: ClinVar variation 850925 (VCV000850925.9), dbSNP rs760680871, ClinGen allele CA916081987.

ClinVar aggregate classification (germline): Uncertain significance (1 of 4 stars; one submission).

Conditions:
Left ventricular noncompaction 8 (LVNC8). Identifiers: Orphanet 154, Orphanet 54260, MedGen C3809288, MONDO:0014152, OMIM 615373.

Submission:

Labcorp Genetics (formerly Invitae), Labcorp
Classification: Uncertain significance for Left ventricular noncompaction 8. Last evaluated: 2019-02-19. Review status: criteria provided, single submitter. Criteria: Invitae Variant Classification Sherloc (09022015). Collection method: clinical testing. Allele origin: germline.
Comment: This variant has not been reported in the literature in individuals with PRDM16-related conditions. This variant is not present in population databases (ExAC no frequency). This sequence change falls in intron 7 of the PRDM16 gene. It does not directly change the encoded amino acid sequence of the PRDM16 protein, but it affects a nucleotide within the consensus splice site of the intron. Nucleotide substitutions within the consensus splice site are a relatively common cause of aberrant splicing (PMID: 17576681, 9536098). Algorithms developed to predict the effect of sequence changes on RNA splicing suggest that this variant is not likely to affect RNA splicing, but this prediction has not been confirmed by published transcriptional studies. In summary, the available evidence is currently insufficient to determine the role of this variant in disease. Therefore, it has been classified as a Variant of Uncertain Significance.

Literature cited by the submitters: PubMed 17576681; PubMed 9536098.